The following is an entry in ClinVar:

ClinVar aggregate classification (germline): Uncertain significance (1 of 4 stars; one submission).

Submission:

Labcorp Genetics (formerly Invitae), Labcorp
Classification: Uncertain significance. Last evaluated: 2025-05-12. Review status: criteria provided, single submitter. Criteria: Invitae Variant Classification Sherloc (09022015). Collection method: clinical testing. Allele origin: germline.
Comment: This sequence change replaces serine, which is neutral and polar, with leucine, which is neutral and non-polar, at codon 316 of the NEUROD1 protein (p.Ser316Leu). This variant is not present in population databases (gnomAD no frequency). This variant has not been reported in the literature in individuals affected with NEUROD1-related conditions. Invitae Evidence Modeling of protein sequence and biophysical properties (such as structural, functional, and spatial information, amino acid conservation, physicochemical variation, residue mobility, and thermodynamic stability) indicates that this missense variant is not expected to disrupt NEUROD1 protein function with a negative predictive value of 80%. In summary, the available evidence is currently insufficient to determine the role of this variant in disease. Therefore, it has been classified as a Variant of Uncertain Significance.

NM_002500.5(NEUROD1):c.947C>T (p.Ser316Leu)

Gene: NEUROD1 (neuronal differentiation 1; minus strand). Cytogenetic location: 2q31.3.
Variant type: single nucleotide variant.
Coding change: c.947C>T on transcript NM_002500.5 (MANE Select); coding-DNA position 947, C replaced by T.
Protein change: p.Ser316Leu; replaces serine 316 with leucine.
Molecular consequence: missense variant.
Genome position (GRCh38, 1-based): chr2:181,677,914, G>A on the plus strand (C>T on the coding strand, the complement: NEUROD1 is on the minus strand). VCF-style: chr2-181677914-G-A. GRCh37 (hg19) VCF-style: chr2-182542641-G-A.
Other names: short protein forms S316L.
Identifiers: ClinVar variation 4738036 (VCV004738036.1).